The following is an entry in ClinVar:

ClinVar aggregate classification (germline): Uncertain significance (1 of 4 stars; one submission).

Allele frequency attached by ClinVar (database versions not stated): gnomAD exomes below 0.00001; ExAC 0.00001.

Submission:

Labcorp Genetics (formerly Invitae), Labcorp
Classification: Uncertain significance. Last evaluated: 2023-05-25. Review status: criteria provided, single submitter. Criteria: Invitae Variant Classification Sherloc (09022015). Collection method: clinical testing. Allele origin: germline.
Comment: In summary, the available evidence is currently insufficient to determine the role of this variant in disease. Therefore, it has been classified as a Variant of Uncertain Significance. Experimental studies and prediction algorithms are not available or were not evaluated, and the functional significance of this variant is currently unknown. This variant has not been reported in the literature in individuals affected with KCNH1-related conditions. This variant is present in population databases (rs763499222, gnomAD 0.005%). This sequence change creates a premature translational stop signal (p.Leu729Argfs*36) in the KCNH1 gene. While this is not anticipated to result in nonsense mediated decay, it is expected to disrupt the last 261 amino acid(s) of the KCNH1 protein.

NM_172362.3(KCNH1):c.2186del (p.Leu729fs)

Gene: KCNH1 (potassium voltage-gated channel subfamily H member 1; minus strand). Cytogenetic location: 1q32.2.
Variant type: Deletion.
Coding change: c.2186del on transcript NM_172362.3 (MANE Select); coding-DNA position 2186, one base deleted (T; older notation c.2186delT).
Protein change: p.Leu729fs; shifts the reading frame from leucine 729.
Molecular consequence: frameshift variant.
Genome position (GRCh38, 1-based): chr1:210,684,065, A deleted on the plus strand (T on the coding strand, the reverse complement: KCNH1 is on the minus strand). VCF-style (leftmost placement, unchanged base first): chr1-210684064-CA-C. GRCh37 (hg19) VCF-style: chr1-210857406-CA-C.
Other names: c.2105del, p.Leu702fs (NM_002238.4); short protein forms L702fs, L729fs.
Identifiers: ClinVar variation 2717917 (VCV002717917.3), dbSNP rs763499222, ClinGen allele CA1379736.